The following is an entry in ClinVar:

ClinVar aggregate classification (germline): Uncertain significance (1 of 4 stars; one submission).

Conditions:
Atrioventricular septal defect 4 (AVSD4). Identifiers: MedGen C3280781, MONDO:0013747, OMIM 614430.

Allele frequency attached by ClinVar (database versions not stated): gnomAD exomes below 0.00001.
gnomAD v4.1: 5 of 1,584,700 alleles (0.00032%); highest among the groups gnomAD compares: Non-Finnish European, 0.00043%; no homozygotes.

Submission:

Labcorp Genetics (formerly Invitae), Labcorp
Classification: Uncertain significance for Atrioventricular septal defect 4. Last evaluated: 2023-05-25. Review status: criteria provided, single submitter. Criteria: Invitae Variant Classification Sherloc (09022015). Collection method: clinical testing. Allele origin: germline.
Comment: In summary, the available evidence is currently insufficient to determine the role of this variant in disease. Therefore, it has been classified as a Variant of Uncertain Significance. An algorithm developed to predict the effect of missense changes on protein structure and function (PolyPhen-2) suggests that this variant is likely to be disruptive. ClinVar contains an entry for this variant (Variation ID: 2007353). This variant has not been reported in the literature in individuals affected with GATA4-related conditions. This variant is not present in population databases (gnomAD no frequency). This sequence change replaces serine, which is neutral and polar, with arginine, which is basic and polar, at codon 4 of the GATA4 protein (p.Ser4Arg).

NM_001308093.3(GATA4):c.12C>A (p.Ser4Arg)

Gene: GATA4 (GATA binding protein 4). Cytogenetic location: 8p23.1.
Variant type: single nucleotide variant.
Coding change: c.12C>A on transcript NM_001308093.3 (MANE Select); coding-DNA position 12, C replaced by A.
Protein change: p.Ser4Arg; replaces serine 4 with arginine.
Molecular consequence: missense variant. On other transcripts: intron variant (3).
Genome position (GRCh38, 1-based): chr8:11,708,324, C>A. VCF-style: chr8-11708324-C-A. GRCh37 (hg19) VCF-style: chr8-11565833-C-A.
Other names: c.12C>A, p.Ser4Arg (NM_002052.5); c.-6+7546C>A (NM_001308094.2); c.-3+310C>A (NM_001374274.1); c.-3+4020C>A (NM_001374273.1); short protein forms S4R.
Identifiers: ClinVar variation 2007353 (VCV002007353.4), dbSNP rs1247823780, ClinGen allele CA370308437.